The following is an entry in ClinVar:

NM_001754.5(RUNX1):c.1116C>T (p.Gly372=)

Gene: RUNX1 (RUNX family transcription factor 1; minus strand). Cytogenetic location: 21q22.12.
Variant type: single nucleotide variant.
Coding change: c.1116C>T on transcript NM_001754.5 (MANE Select); coding-DNA position 1116, C replaced by T.
Protein change: p.Gly372=; no amino-acid change (glycine 372 retained).
Molecular consequence: synonymous variant.
Genome position (GRCh38, 1-based): chr21:34,792,462, G>A on the plus strand (C>T on the coding strand, the complement: RUNX1 is on the minus strand). VCF-style: chr21-34792462-G-A. GRCh37 (hg19) VCF-style: chr21-36164759-G-A.
Other names: NM_001754.5(RUNX1):c.1116C>T; p.Gly372=; c.1035C>T, p.Gly345= (NM_001001890.3).
Identifiers: ClinVar variation 3638595 (VCV003638595.5).

ClinVar aggregate classification (germline): Likely benign. Review status: reviewed by expert panel (3 of 4 stars). 2 submissions from 2 submitters: Likely benign (1). 1 of the submissions does not count toward it. Last evaluated 2026-04-29.

Conditions:
Hereditary thrombocytopenia and hematologic cancer predisposition syndrome. Identifiers: Orphanet 71290, MedGen CN281654, MONDO:0011071.
Hereditary thrombocytopenia and hematological cancer predisposition syndrome associated with RUNX1. Also called: Familial Platelet Disorder with Propensity to Acute Myelogenous Leukemia; Familial thrombocytopenia with propensity to acute myelogenous leukemia; PLATELET DISORDER, ASPIRIN-LIKE; RUNX1 Familial Platelet Disorder with Associated Myeloid Malignancies. Identifiers: Orphanet 71290, MedGen C1832388, MeSH C563324, MONDO:0100083, OMIM 601399.

gnomAD v4.1: 1 of 1,582,230 alleles (0.000063%); highest among the groups gnomAD compares: South Asian, 0.0012%; no homozygotes.

Submissions (2):

ClinGen Myeloid Malignancy Variant Curation Expert Panel
Classification: Likely benign for Hereditary thrombocytopenia and hematologic cancer predisposition syndrome. Last evaluated: 2026-04-29. Review status: reviewed by expert panel. Criteria: ClinGen MyeloMalig ACMG Specifications V3.1. Collection method: curation. Allele origin: germline. Inheritance: Autosomal dominant inheritance.
Comment: NM_001754.5(RUNX1):c.1116C>T (p.Gly372=) is a synonymous variant which has a SpliceAI score ≤ 0.20 (0.01) (BP4, BP7). This variant has a MAF ≤ 0.00005 in gnomAD v4 across all subpopulations with at least 20X coverage for RUNX1 (PM2_supporting). In summary, this variant meets criteria to be classified as likely benign. ACMG/AMP criteria applied, as specified by the Myeloid Malignancy Variant Curation Expert Panel for RUNX1: BP4, BP7, PM2_supporting.

Labcorp Genetics (formerly Invitae), Labcorp
Classification: Likely benign for Hereditary thrombocytopenia and hematological cancer predisposition syndrome associated with RUNX1. Last evaluated: 2024-02-03. Review status: criteria provided, single submitter. Criteria: Invitae Variant Classification Sherloc (09022015). Collection method: clinical testing. Allele origin: germline. Not counted in ClinVar's aggregate classification.